The following is an entry in ClinVar:

NM_003235.5(TG):c.3729G>A (p.Gln1243=)

Gene: TG (thyroglobulin; plus strand). Cytogenetic location: 8q24.22.
Variant type: single nucleotide variant.
Coding change: c.3729G>A on transcript NM_003235.5 (MANE Select); coding-DNA position 3729, G replaced by A.
Protein change: p.Gln1243=; no amino-acid change (glutamine 1243 retained).
Molecular consequence: synonymous variant.
Genome position (GRCh38, 1-based): chr8:132,906,782, G>A. VCF-style: chr8-132906782-G-A. GRCh37 (hg19) VCF-style: chr8-133919027-G-A.
Other names: c.3729G>A (NM_003235.4).
Identifiers: ClinVar variation 2710486 (VCV002710486.6), dbSNP rs144533975, ClinGen allele CA4883866.
Genomic context (GRCh38, chr8:132,906,782, plus strand): 5'-GGTGGTTGGTGGAACAATCCTGTGTGAGACAATCTCGGGCCCCACAGGCTCTGCCATGCA[G>A]CAGTGCCAATTGCTGTGCCGCCAGGGCTCCTGGAGCGTGTTTCCACCAGGGCCATTGATA-3'
Protein context (NP_003226.4, residues 1233-1253): TISGPTGSAM[Gln1243=]QCQLLCRQGS

ClinVar aggregate classification (germline): Likely benign. Review status: criteria provided, multiple submitters, no conflicts (2 of 4 stars). 3 submissions from 3 submitters: Likely benign (2). 1 of the submissions does not count toward it. Last evaluated 2024-07-29.

Conditions:
TG-related disorder. Also called: TG-related condition; TG-related disorders.

Allele frequency attached by ClinVar (database versions not stated): gnomAD exomes 0.00002; ExAC 0.00009; 1000 Genomes Project 30x 0.00016; 1000 Genomes Project 0.00020; ESP Exome Variant Server 0.00031; gnomAD 0.00032; TOPMed 0.00053.
gnomAD v4.1: 89 of 1,614,214 alleles (0.0055%); highest among the groups gnomAD compares: African/African-American, 0.087%; no homozygotes.

Submissions (3):

Labcorp Genetics (formerly Invitae), Labcorp
Classification: Likely benign. Last evaluated: 2024-07-29. Review status: criteria provided, single submitter. Criteria: Invitae Variant Classification Sherloc (09022015). Collection method: clinical testing. Allele origin: germline.

Blueprint Genetics
Classification: Likely benign. Last evaluated: 2024-06-04. Review status: criteria provided, single submitter. Criteria: ACMG Guidelines, 2015. Collection method: clinical testing. Allele origin: germline.

PreventionGenetics, part of Exact Sciences
Classification: Likely benign for TG-related condition. Last evaluated: 2023-07-16. Review status: no assertion criteria provided. Collection method: clinical testing. Allele origin: germline. Not counted in ClinVar's aggregate classification.
Comment: This variant is classified as likely benign based on ACMG/AMP sequence variant interpretation guidelines (Richards et al. 2015 PMID: 25741868, with internal and published modifications).